The following is an entry in ClinVar:

NM_197968.4(ZMYM2):c.3634C>T (p.Pro1212Ser)

Gene: ZMYM2 (zinc finger MYM-type containing 2; plus strand). Cytogenetic location: 13q12.11.
Variant type: single nucleotide variant.
Coding change: c.3634C>T on transcript NM_197968.4 (MANE Select); coding-DNA position 3634, C replaced by T.
Protein change: p.Pro1212Ser; replaces proline 1212 with serine.
Molecular consequence: missense variant. On other transcripts: non-coding transcript variant (1).
Genome position (GRCh38, 1-based): chr13:20,082,846, C>T. VCF-style: chr13-20082846-C-T. GRCh37 (hg19) VCF-style: chr13-20656986-C-T.
Other names: c.3634C>T, p.Pro1212Ser (NM_001353157.2, NM_001353159.2, NM_001353162.3 and 4 more transcripts); c.3439C>T, p.Pro1147Ser (NM_001353161.3); c.3373C>T, p.Pro1125Ser (NM_001353163.2); short protein forms P1125S, P1147S, P1212S.
Identifiers: ClinVar variation 5017433 (VCV005017433.1).

ClinVar aggregate classification (germline): Uncertain significance (1 of 4 stars; one submission).

gnomAD v4.1: 1 of 1,613,788 alleles (0.000062%); highest among the groups gnomAD compares: Non-Finnish European, 0.000085%; no homozygotes.

Submission:

GeneDx
Classification: Uncertain significance. Last evaluated: 2026-03-24. Review status: criteria provided, single submitter. Criteria: GeneDx Variant Classification Process June 2021. Collection method: clinical testing. Allele origin: germline.
Comment: Not observed at significant frequency in large population cohorts (gnomAD); In silico analysis supports that this missense variant has a deleterious effect on protein structure/function; Has not been previously published as pathogenic or benign to our knowledge